The following is an entry in ClinVar:

ClinVar aggregate classification (germline): Conflicting classifications of pathogenicity. Review status: criteria provided, conflicting classifications (1 of 4 stars). 3 submissions from 3 submitters: Uncertain significance (2); Likely benign (1). Last evaluated 2026-09-01.

gnomAD v4.1: 275 of 1,202,123 alleles (0.023%); highest among the groups gnomAD compares: Non-Finnish European, 0.03%; no homozygotes.

Submissions (3):

CeGaT Center for Human Genetics Tuebingen
Classification: Likely benign. Last evaluated: 2026-09-01. Review status: criteria provided, single submitter. Criteria: CeGaT Center For Human Genetics Tuebingen Variant Classification Criteria Version 2. Collection method: clinical testing. Allele origin: germline. Affected: yes. Observed: 2 variant alleles.
Comment: SLC9A7: BS2

Labcorp Genetics (formerly Invitae), Labcorp
Classification: Uncertain significance. Last evaluated: 2025-11-10. Review status: criteria provided, single submitter. Criteria: Invitae Variant Classification Sherloc (09022015). Collection method: clinical testing. Allele origin: germline.
Comment: This sequence change replaces alanine, which is neutral and non-polar, with aspartic acid, which is acidic and polar, at codon 58 of the SLC9A7 protein (p.Ala58Asp). The frequency data for this variant in the population databases is considered unreliable, as metrics indicate poor data quality at this position in the gnomAD database. This variant has not been reported in the literature in individuals affected with SLC9A7-related conditions. ClinVar contains an entry for this variant (Variation ID: 3445273). Invitae Evidence Modeling of protein sequence and biophysical properties (such as structural, functional, and spatial information, amino acid conservation, physicochemical variation, residue mobility, and thermodynamic stability) indicates that this missense variant is not expected to disrupt SLC9A7 protein function with a negative predictive value of 80%. In summary, the available evidence is currently insufficient to determine the role of this variant in disease. Therefore, it has been classified as a Variant of Uncertain Significance.

Ambry Genetics
Classification: Uncertain significance. Last evaluated: 2024-11-14. Review status: criteria provided, single submitter. Criteria: Ambry Variant Classification Scheme 2023. Collection method: clinical testing. Allele origin: germline.

NM_001257291.2(SLC9A7):c.173C>A (p.Ala58Asp)

Gene: SLC9A7 (solute carrier family 9 member A7; minus strand). Cytogenetic location: Xp11.3.
Variant type: single nucleotide variant.
Coding change: c.173C>A on transcript NM_001257291.2 (MANE Select); coding-DNA position 173, C replaced by A.
Protein change: p.Ala58Asp; replaces alanine 58 with aspartic acid.
Molecular consequence: missense variant.
Genome position (GRCh38, 1-based): chrX:46,758,857, G>T on the plus strand (C>A on the coding strand, the complement: SLC9A7 is on the minus strand). VCF-style: chrX-46758857-G-T. GRCh37 (hg19) VCF-style: chrX-46618292-G-T.
Other names: c.173C>A, p.Ala58Asp (NM_032591.3); short protein forms A58D.
Identifiers: ClinVar variation 3445273 (VCV003445273.9).
Genomic context (GRCh38, chrX:46,758,857, plus strand): 5'-ATGAAGGTGAGCAGGCTCACGCTGTCTTGCCGGTGGCTCTCCTCCGCCTCCTTCTCAGTA[G>T]CGAGCTCCTCCATGGCGCTGCTGTCCTCCGCCGCCGCCCCAGAGGAGGAGGCCGAGGCCG-3'
Protein context (NP_001244220.1, residues 48-68): AEDSSAMEEL[Ala58Asp]TEKEAEESHR